The following is an entry in ClinVar:

ClinVar aggregate classification (germline): Benign. Review status: criteria provided, multiple submitters, no conflicts (2 of 4 stars). 2 submissions from 2 submitters: Benign (2). Last evaluated 2026-03-01.

Submissions (2):

CeGaT Center for Human Genetics Tuebingen
Classification: Benign. Last evaluated: 2026-03-01. Review status: criteria provided, single submitter. Criteria: CeGaT Center For Human Genetics Tuebingen Variant Classification Criteria Version 2. Collection method: clinical testing. Allele origin: germline. Affected: yes. Observed: 3 variant alleles.
Comment: FOXI3: BS1, BS2

Labcorp Genetics (formerly Invitae), Labcorp
Classification: Benign. Last evaluated: 2026-02-02. Review status: criteria provided, single submitter. Criteria: Invitae Variant Classification Sherloc (09022015). Collection method: clinical testing. Allele origin: germline.

NM_001135649.3(FOXI3):c.889_891dup (p.Thr297dup)

Gene: FOXI3 (forkhead box I3; minus strand). Cytogenetic location: 2p11.2.
Variant type: Duplication.
Coding change: c.889_891dup on transcript NM_001135649.3 (MANE Select); coding-DNA positions 889 to 891, 3 bases duplicated (ACT; older notation c.889_891dupACT).
Protein change: p.Thr297dup; duplicates threonine 297.
Molecular consequence: inframe insertion.
Genome position (GRCh38, 1-based): chr2:88,448,579-88,448,581, AGT duplicated on the plus strand (ACT on the coding strand, the reverse complement: FOXI3 is on the minus strand); duplicating any 3 consecutive bases within chr2:88,448,579-88,448,582 gives the same sequence; the c. name uses the placement nearest the transcript's 3' end. VCF-style (leftmost placement, unchanged base first): chr2-88448578-C-CAGT. GRCh37 (hg19) VCF-style: chr2-88748097-C-CAGT.
Identifiers: ClinVar variation 1167409 (VCV001167409.33), dbSNP rs540902681, ClinGen allele CA1753984.
Genomic context (GRCh38, chr2:88,448,578, plus strand): 5'-TGCTGAAGAAAGTGTTGAGACAAGGGGTGGAGGTGAGCATGGGTCCTCCAGGAGATGAGG[C>CAGT]AGTACTCTTGGTGCCCTCCGGAGGCTCTGGGGAGTGGGAAGGCCTCAGCAGAGTGGAGGG-3'